The following is an entry in ClinVar:

NM_001035.3(RYR2):c.48T>C (p.Thr16=)

Gene: RYR2 (ryanodine receptor 2; plus strand). Cytogenetic location: 1q43.
Variant type: single nucleotide variant.
Coding change: c.48T>C on transcript NM_001035.3 (MANE Select); coding-DNA position 48, T replaced by C.
Protein change: p.Thr16=; no amino-acid change (threonine 16 retained).
Molecular consequence: synonymous variant.
Genome position (GRCh38, 1-based): chr1:237,042,569, T>C. VCF-style: chr1-237042569-T-C. GRCh37 (hg19) VCF-style: chr1-237205869-T-C.
Identifiers: ClinVar variation 2054848 (VCV002054848.6), dbSNP rs768458725, ClinGen allele CA086760.

ClinVar aggregate classification (germline): Conflicting classifications of pathogenicity. Review status: criteria provided, conflicting classifications (1 of 4 stars). 2 submissions from 2 submitters: Uncertain significance (1); Likely benign (1). Last evaluated 2022-10-11.

Conditions:
Cardiomyopathy (CMYO). Also called: Cardiomyopathies. Identifiers: Orphanet 167848, MedGen C0878544, MONDO:0004994, HP:0001638. Inheritance: Various modes of inheritance.
Catecholaminergic polymorphic ventricular tachycardia 1. Also called: VENTRICULAR TACHYCARDIA, STRESS-INDUCED POLYMORPHIC 1; VENTRICULAR TACHYCARDIA, CATECHOLAMINERGIC POLYMORPHIC, 1, WITH OR WITHOUT ATRIAL DYSFUNCTION AND/OR DILATED CARDIOMYOPATHY; RYR2-Related Catecholaminergic Polymorphic Ventricular Tachycardia. Identifiers: Orphanet 3286, MedGen C1631597, MONDO:0011484, OMIM 604772.

Allele frequency attached by ClinVar (database versions not stated): ExAC 0.00012.

Submissions (2):

Color Diagnostics, LLC DBA Color Health
Classification: Likely benign for Cardiomyopathy. Last evaluated: 2022-10-11. Review status: criteria provided, single submitter. Criteria: ACMG Guidelines, 2015. Collection method: clinical testing. Allele origin: germline.

Labcorp Genetics (formerly Invitae), Labcorp
Classification: Uncertain significance for Catecholaminergic polymorphic ventricular tachycardia 1. Last evaluated: 2022-07-25. Review status: criteria provided, single submitter. Criteria: Invitae Variant Classification Sherloc (09022015). Collection method: clinical testing. Allele origin: germline.
Comment: The frequency data for this variant in the population databases is considered unreliable, as metrics indicate poor data quality at this position in the gnomAD database. This variant has not been reported in the literature in individuals affected with RYR2-related conditions. Algorithms developed to predict the effect of sequence changes on RNA splicing suggest that this variant is not likely to affect RNA splicing. In summary, the available evidence is currently insufficient to determine the role of this variant in disease. Therefore, it has been classified as a Variant of Uncertain Significance. This sequence change affects codon 16 of the RYR2 mRNA. It is a 'silent' change, meaning that it does not change the encoded amino acid sequence of the RYR2 protein. It affects a nucleotide within the consensus splice site.